The following is an entry in ClinVar:

ClinVar aggregate classification (germline): Uncertain significance. Review status: criteria provided, multiple submitters, no conflicts (2 of 4 stars). 2 submissions from 2 submitters: Uncertain significance (2). Last evaluated 2025-06-18.

Conditions:
Hereditary cancer-predisposing syndrome. Also called: Neoplastic Syndromes, Hereditary; Tumor predisposition; Hereditary Cancer Syndrome; Hereditary neoplastic syndrome. Identifiers: Orphanet 140162, MedGen C0027672, MeSH D009386, MONDO:0015356.

gnomAD v4.1: 1 of 1,569,936 alleles (0.000064%); highest among the groups gnomAD compares: Non-Finnish European, 0.000086%; no homozygotes.

Submissions (2):

Dasa
Classification: Uncertain significance. Last evaluated: 2025-06-18. Review status: criteria provided, single submitter. Criteria: DASA Assertion Criteria. Collection method: clinical testing. Allele origin: germline.
Comment: NM_016169.4(SUFU):c.43C>T (p.Pro15Ser) is a missense variant that results in the substitution of proline with serine. This variant is rare in population databases. Computational prediction algorithms are consistent with a benign effect. The currently available literature and clinical evidence are not sufficient to establish a definitive association between this variant and the reported condition. Therefore, this variant is classified as a variant of uncertain significance.

Ambry Genetics
Classification: Uncertain significance for Hereditary cancer-predisposing syndrome. Last evaluated: 2025-03-04. Review status: criteria provided, single submitter. Criteria: Ambry Variant Classification Scheme 2023. Collection method: clinical testing. Allele origin: germline.
Comment: The p.P15S variant (also known as c.43C>T), located in coding exon 1 of the SUFU gene, results from a C to T substitution at nucleotide position 43. The proline at codon 15 is replaced by serine, an amino acid with similar properties. This amino acid position is well conserved in available vertebrate species. In addition, this alteration is predicted to be tolerated by in silico analysis. Based on the available evidence, the clinical significance of this variant remains unclear.

NM_016169.4(SUFU):c.43C>T (p.Pro15Ser)

Genes: SUFU (SUFU negative regulator of hedgehog signaling; plus strand), LOC130004614 (ATAC-STARR-seq lymphoblastoid silent region 2764; plus strand). Cytogenetic location: 10q24.32.
Variant type: single nucleotide variant.
Coding change: c.43C>T on transcript NM_016169.4 (MANE Select); coding-DNA position 43, C replaced by T.
Protein change: p.Pro15Ser; replaces proline 15 with serine.
Molecular consequence: missense variant.
Genome position (GRCh38, 1-based): chr10:102,504,195, C>T. VCF-style: chr10-102504195-C-T. GRCh37 (hg19) VCF-style: chr10-104263952-C-T.
Other names: c.43C>T, p.Pro15Ser (NM_001178133.2); short protein forms P15S.
Identifiers: ClinVar variation 1740310 (VCV001740310.5), dbSNP rs761921681, ClinGen allele CA377886234.